The following is an entry in ClinVar:

NM_024675.4(PALB2):c.1366G>T (p.Glu456Ter)

Gene: PALB2 (partner and localizer of BRCA2; minus strand). Cytogenetic location: 16p12.2.
Variant type: single nucleotide variant.
Coding change: c.1366G>T on transcript NM_024675.4 (MANE Select); coding-DNA position 1366, G replaced by T.
Protein change: p.Glu456Ter; replaces glutamic acid 456 with a stop codon.
Molecular consequence: nonsense.
Genome position (GRCh38, 1-based): chr16:23,635,180, C>A on the plus strand (G>T on the coding strand, the complement: PALB2 is on the minus strand). VCF-style: chr16-23635180-C-A. GRCh37 (hg19) VCF-style: chr16-23646501-C-A.
Other names: short protein forms E456*.
Identifiers: ClinVar variation 410186 (VCV000410186.13), dbSNP rs1060502785, ClinGen allele CA16615101.
Genomic context (GRCh38, chr16:23,635,180, plus strand): 5'-TTGAACTTGGTTGTCCTGTGCATGTGCCAGACATCCTAATTTCACTTTGGTCAGTTTCCT[C>A]ATTGGAAAGGTTTAAATTTTTACTTGCATCCTTATTTTTATTTTTAAACCCTTTTTTCTT-3'

ClinVar aggregate classification (germline): Pathogenic. Review status: criteria provided, multiple submitters, no conflicts (2 of 4 stars). 4 submissions from 4 submitters: Pathogenic (3). 1 of the submissions does not count toward it. Last evaluated 2025-12-09.

Conditions:
Hereditary cancer-predisposing syndrome. Also called: Tumor predisposition; Hereditary Cancer Syndrome; Hereditary neoplastic syndrome; Neoplastic Syndromes, Hereditary. Identifiers: Orphanet 140162, MedGen C0027672, MeSH D009386, MONDO:0015356.
Familial cancer of breast. Also called: BREAST CANCER, FAMILIAL; Hereditary breast cancer; hereditary breast carcinoma. Identifiers: Orphanet 227535, MedGen C0346153, MONDO:0016419, OMIM 114480. Disease mechanism: loss of function.

Submissions (4):

Labcorp Genetics (formerly Invitae), Labcorp
Classification: Pathogenic for Familial cancer of breast. Last evaluated: 2025-12-09. Review status: criteria provided, single submitter. Criteria: Invitae Variant Classification Sherloc (09022015). Collection method: clinical testing. Allele origin: germline.
Comment: This sequence change creates a premature translational stop signal (p.Glu456*) in the PALB2 gene. It is expected to result in an absent or disrupted protein product. Loss-of-function variants in PALB2 are known to be pathogenic (PMID: 17200668, 17200671, 17200672, 24136930, 25099575). This variant is not present in population databases (gnomAD no frequency). This variant has not been reported in the literature in individuals affected with PALB2-related conditions. ClinVar contains an entry for this variant (Variation ID: 410186). For these reasons, this variant has been classified as Pathogenic.

Ambry Genetics
Classification: Pathogenic for Hereditary cancer-predisposing syndrome. Last evaluated: 2025-09-10. Review status: criteria provided, single submitter. Criteria: Ambry Variant Classification Scheme 2023. Collection method: clinical testing. Allele origin: germline.
Comment: The p.E456* pathogenic mutation (also known as c.1366G>T), located in coding exon 4 of the PALB2 gene, results from a G to T substitution at nucleotide position 1366. This changes the amino acid from a glutamic acid to a stop codon within coding exon 4. This variant is considered to be rare based on population cohorts in the Genome Aggregation Database (gnomAD). This alteration is expected to result in loss of function by premature protein truncation or nonsense-mediated mRNA decay. As such, this alteration is interpreted as a disease-causing mutation.

Myriad Genetics, Inc.
Classification: Pathogenic for Familial cancer of breast. Last evaluated: 2023-03-30. Review status: criteria provided, single submitter. Criteria: Myriad Autosomal Dominant, Autosomal Recessive and X-Linked Classification Criteria (2023). Collection method: clinical testing. Allele origin: unknown.
Comment: This variant is considered pathogenic. This variant creates a termination codon and is predicted to result in premature protein truncation.

Counsyl
Classification: Likely pathogenic for Familial cancer of breast. Last evaluated: 2017-06-05. Review status: no assertion criteria provided. Collection method: clinical testing. Allele origin: unknown. Not counted in ClinVar's aggregate classification.

Literature cited by the submitters: PubMed 17200668 (cited by Labcorp Genetics (formerly Invitae), Labcorp); PubMed 17200671 (cited by Labcorp Genetics (formerly Invitae), Labcorp); PubMed 17200672 (cited by Labcorp Genetics (formerly Invitae), Labcorp); PubMed 24136930 (cited by Labcorp Genetics (formerly Invitae), Labcorp); PubMed 25099575 (cited by Labcorp Genetics (formerly Invitae), Labcorp).